The following is an entry in ClinVar:

NM_000019.4(ACAT1):c.546C>T (p.Asp182=)

Gene: ACAT1 (acetyl-CoA acetyltransferase 1; plus strand). Cytogenetic location: 11q22.3.
Variant type: single nucleotide variant.
Coding change: c.546C>T on transcript NM_000019.4 (MANE Select); coding-DNA position 546, C replaced by T.
Protein change: p.Asp182=; no amino-acid change (aspartic acid 182 retained).
Molecular consequence: synonymous variant. On other transcripts: non-coding transcript variant (2).
Genome position (GRCh38, 1-based): chr11:108,139,008, C>T. VCF-style: chr11-108139008-C-T. GRCh37 (hg19) VCF-style: chr11-108009735-C-T.
Other names: c.546C>T (NM_000019.3); c.546C>T, p.Asp182= (NM_001386677.1); c.231C>T, p.Asp77= (NM_001386678.1); c.249C>T, p.Asp83= (NM_001386679.1); c.276C>T, p.Asp92= (NM_001386681.1, NM_001386682.1, NM_001386685.1 and 6 more transcripts).
Identifiers: ClinVar variation 1113788 (VCV001113788.10), dbSNP rs373393997, ClinGen allele CA6263154.

ClinVar aggregate classification (germline): Likely benign. Review status: criteria provided, multiple submitters, no conflicts (2 of 4 stars). 2 submissions from 2 submitters: Likely benign (2). Last evaluated 2024-11-07.

Conditions:
Deficiency of acetyl-CoA acetyltransferase. Also called: 3-KETOTHIOLASE DEFICIENCY; 3-OXOTHIOLASE DEFICIENCY; Beta-ketothiolase deficiency; MITOCHONDRIAL ACETOACETYL-CoA THIOLASE DEFICIENCY. Identifiers: Orphanet 134, MedGen C1536500, MONDO:0008760, OMIM 203750. Disease mechanism: loss of function.
ACAT1-related disorder. Also called: ACAT1-related condition.

Allele frequency attached by ClinVar (database versions not stated): TOPMed 0.00003; gnomAD 0.00004; ExAC 0.00007; gnomAD exomes 0.00007; ESP Exome Variant Server 0.00008.
gnomAD v4.1: 53 of 1,614,008 alleles (0.0033%); highest among the groups gnomAD compares: South Asian, 0.014%; no homozygotes.

Submissions (2):

PreventionGenetics, part of Exact Sciences
Classification: Likely benign for ACAT1-related condition. Last evaluated: 2024-11-07. Review status: criteria provided, single submitter. Criteria: ACMG Guidelines, 2015. Collection method: clinical testing. Allele origin: germline.
Comment: This variant is classified as likely benign based on ACMG/AMP sequence variant interpretation guidelines (Richards et al. 2015 PMID: 25741868, with internal and published modifications).

Labcorp Genetics (formerly Invitae), Labcorp
Classification: Likely benign for Deficiency of acetyl-CoA acetyltransferase. Last evaluated: 2024-08-06. Review status: criteria provided, single submitter. Criteria: Invitae Variant Classification Sherloc (09022015). Collection method: clinical testing. Allele origin: germline.